The following is an entry in ClinVar:

NM_152703.5(SAMD9L):c.2062T>A (p.Tyr688Asn)

Gene: SAMD9L (sterile alpha motif domain containing 9 like; minus strand). Cytogenetic location: 7q21.2.
Variant type: single nucleotide variant.
Coding change: c.2062T>A on transcript NM_152703.5 (MANE Select); coding-DNA position 2062, T replaced by A.
Protein change: p.Tyr688Asn; replaces tyrosine 688 with asparagine.
Molecular consequence: missense variant.
Genome position (GRCh38, 1-based): chr7:93,133,910, A>T on the plus strand (T>A on the coding strand, the complement: SAMD9L is on the minus strand). VCF-style: chr7-93133910-A-T. GRCh37 (hg19) VCF-style: chr7-92763223-A-T.
Other names: c.2062T>A, p.Tyr688Asn (NM_001303496.3, NM_001303497.3, NM_001303498.3 and 5 more transcripts); c.2062T>A (NM_152703.3); short protein forms Y688N.
Identifiers: ClinVar variation 2445760 (VCV002445760.1), dbSNP rs2535423064, ClinGen allele CA368193273.
Genomic context (GRCh38, chr7:93,133,910, plus strand): 5'-CTGAAGAATAGTTTTCAGAAGAAAAATAGAAGTTCCACCAGGATACTTTGCCACCTCGAT[A>T]AAAGTGTTCTTCTTTTGATTTCTTAAACTCCAGGAATTTAGATTTGTCTTTCTCGATGTC-3'
Protein context (NP_689916.2, residues 678-698): EFKKSKEEHF[Tyr688Asn]RGGKVSWWNF

ClinVar aggregate classification (germline): Likely pathogenic (1 of 4 stars; one submission).

Conditions:
SAMD9L-related disorder. Also called: SAMD9L-related disorders; SAMD9L-related condition.

Submission:

Women's Health and Genetics/Laboratory Corporation of America, LabCorp
Classification: Likely pathogenic for SAMD9L-Related Disorders. Last evaluated: 2023-02-01. Review status: criteria provided, single submitter. Criteria: LabCorp Variant Classification Summary - May 2015. Collection method: clinical testing. Allele origin: germline.
Comment: Variant summary: SAMD9L c.2062T>A (p.Tyr688Asn) results in a non-conservative amino acid change in the encoded protein sequence. Four of five in-silico tools predict a damaging effect of the variant on protein function. The variant was absent in 249784 control chromosomes. To our knowledge, no occurrence of c.2062T>A in individuals affected with SAMD9L-Related Disorders and no experimental evidence demonstrating its impact on protein function have been reported. No clinical diagnostic laboratories have submitted clinical-significance assessments for this variant to ClinVar after 2014. Based on the clinical correlation and de-novo inheritance pattern outlined above, the variant was classified as likely pathogenic.